The following is an entry in ClinVar:

NM_001365536.1(SCN9A):c.5502C>A (p.Asp1834Glu)

Genes: SCN9A (sodium voltage-gated channel alpha subunit 9; minus strand), SCN1A-AS1 (SCN1A and SCN9A antisense RNA 1; plus strand). Cytogenetic location: 2q24.3.
Variant type: single nucleotide variant.
Coding change: c.5502C>A on transcript NM_001365536.1 (MANE Select); coding-DNA position 5502, C replaced by A.
Protein change: p.Asp1834Glu; replaces aspartic acid 1834 with glutamic acid.
Molecular consequence: missense variant.
Genome position (GRCh38, 1-based): chr2:166,199,137, G>T on the plus strand (C>A on the coding strand, the complement: SCN9A is on the minus strand). VCF-style: chr2-166199137-G-T. GRCh37 (hg19) VCF-style: chr2-167055647-G-T.
Other names: c.5469C>A, p.Asp1823Glu (NM_002977.4); short protein forms D1834E, D1823E.
Identifiers: ClinVar variation 1967942 (VCV001967942.5), dbSNP rs2468875825, ClinGen allele CA349052583.

ClinVar aggregate classification (germline): Uncertain significance (1 of 4 stars; one submission).

Conditions:
Generalized epilepsy with febrile seizures plus, type 7 (GEFSP7). Also called: GEFS+, TYPE 7. Identifiers: Orphanet 36387, MedGen C2751778, MONDO:0013470, OMIM 613863.
Neuropathy, hereditary sensory and autonomic, type 2A (HSAN2A). Also called: ACROOSTEOLYSIS, GIACCAI TYPE; ACROOSTEOLYSIS, NEUROGENIC; WNK1-Related HSAN2 (HSAN2A); MORVAN DISEASE; NEUROPATHY, CONGENITAL SENSORY; NEUROPATHY, HEREDITARY SENSORY RADICULAR, AUTOSOMAL RECESSIVE. Identifiers: Orphanet 970, MedGen C2752089, MONDO:0024309, OMIM 201300.

Submission:

Labcorp Genetics (formerly Invitae), Labcorp
Classification: Uncertain significance for Neuropathy, hereditary sensory and autonomic, type 2A; Generalized epilepsy with febrile seizures plus, type 7. Last evaluated: 2022-11-22. Review status: criteria provided, single submitter. Criteria: Invitae Variant Classification Sherloc (09022015). Collection method: clinical testing. Allele origin: germline.
Comment: This sequence change replaces aspartic acid, which is acidic and polar, with glutamic acid, which is acidic and polar, at codon 1823 of the SCN9A protein (p.Asp1823Glu). This variant is not present in population databases (gnomAD no frequency). This variant has not been reported in the literature in individuals affected with SCN9A-related conditions. Advanced modeling of protein sequence and biophysical properties (such as structural, functional, and spatial information, amino acid conservation, physicochemical variation, residue mobility, and thermodynamic stability) performed at Invitae indicates that this missense variant is not expected to disrupt SCN9A protein function. In summary, the available evidence is currently insufficient to determine the role of this variant in disease. Therefore, it has been classified as a Variant of Uncertain Significance.